The following is an entry in ClinVar:

ClinVar aggregate classification (germline): Pathogenic (1 of 4 stars; one submission).

Submission:

GeneDx
Classification: Pathogenic. Last evaluated: 2026-02-27. Review status: criteria provided, single submitter. Criteria: GeneDx Variant Classification Process June 2021. Collection method: clinical testing. Allele origin: germline.
Comment: Nonsense variant predicted to result in protein truncation or nonsense mediated decay in a gene for which loss of function is a known mechanism of disease; Not observed at significant frequency in large population cohorts (gnomAD); This variant is associated with the following publications: (PMID: 40693312, 37908045)

NM_022455.5(NSD1):c.6095G>A (p.Trp2032Ter)

Gene: NSD1 (nuclear receptor binding SET domain protein 1; plus strand). Cytogenetic location: 5q35.3.
Variant type: single nucleotide variant.
Coding change: c.6095G>A on transcript NM_022455.5 (MANE Select); coding-DNA position 6095, G replaced by A.
Protein change: p.Trp2032Ter; replaces tryptophan 2032 with a stop codon.
Molecular consequence: nonsense. On other transcripts: intron variant (1).
Genome position (GRCh38, 1-based): chr5:177,283,872, G>A. VCF-style: chr5-177283872-G-A. GRCh37 (hg19) VCF-style: chr5-176710873-G-A.
Other names: c.5222G>A, p.Trp1741Ter (NM_001365684.2, NM_001409308.1, NM_172349.5); c.6095G>A, p.Trp2032Ter (NM_001409301.1, NM_001409302.1, NM_001409303.1); c.5675G>A, p.Trp1892Ter (NM_001409304.1); c.5342G>A, p.Trp1781Ter (NM_001409305.1); c.5333G>A, p.Trp1778Ter (NM_001409306.1, NM_001409307.1); c.5136+1291G>A (NM_001409309.1); short protein forms W1781*, W1778*, W1892*, W2032*, W1741*.
Identifiers: ClinVar variation 5008183 (VCV005008183.1).